The following is an entry in ClinVar:

NM_001145715.3(KPNA7):c.67-18A>G

Gene: KPNA7 (karyopherin subunit alpha 7; minus strand). Cytogenetic location: 7q22.1.
Variant type: single nucleotide variant.
Coding change: c.67-18A>G on transcript NM_001145715.3 (MANE Select); 18 bases into the intron before coding-DNA position 67, A replaced by G.
Molecular consequence: intron variant.
Genome position (GRCh38, 1-based): chr7:99,203,258, T>C on the plus strand (A>G on the coding strand, the complement: KPNA7 is on the minus strand). VCF-style: chr7-99203258-T-C. GRCh37 (hg19) VCF-style: chr7-98800881-T-C.
Identifiers: ClinVar variation 1511109 (VCV001511109.6), dbSNP rs2150769703, ClinGen allele CA2573142540.

ClinVar aggregate classification (germline): Uncertain significance (1 of 4 stars; one submission).

gnomAD v4.1: 3 of 1,548,134 alleles (0.00019%); highest among the groups gnomAD compares: Non-Finnish European, 0.00026%; no homozygotes.

Submission:

Labcorp Genetics (formerly Invitae), Labcorp
Classification: Uncertain significance. Last evaluated: 2021-10-23. Review status: criteria provided, single submitter. Criteria: Invitae Variant Classification Sherloc (09022015). Collection method: clinical testing. Allele origin: germline.
Comment: Algorithms developed to predict the effect of sequence changes on RNA splicing suggest that this variant may create or strengthen a splice site. In summary, the available evidence is currently insufficient to determine the role of this variant in disease. Therefore, it has been classified as a Variant of Uncertain Significance. This variant has not been reported in the literature in individuals affected with KPNA7-related conditions. This variant is not present in population databases (ExAC no frequency). This sequence change falls in intron 1 of the KPNA7 gene. It does not directly change the encoded amino acid sequence of the KPNA7 protein.